The following is an entry in ClinVar:

NM_015346.4(ZFYVE26):c.739dup (p.Cys247fs)

Gene: ZFYVE26 (zinc finger FYVE-type containing 26; minus strand). Cytogenetic location: 14q24.1.
Variant type: Duplication.
Coding change: c.739dup on transcript NM_015346.4 (MANE Select); coding-DNA position 739, one base duplicated (T; older notation c.739dupT).
Protein change: p.Cys247fs; shifts the reading frame from cysteine 247.
Molecular consequence: frameshift variant.
Genome position (GRCh38, 1-based): chr14:67,807,545, A duplicated on the plus strand (T on the coding strand, the reverse complement: ZFYVE26 is on the minus strand). VCF-style (leftmost placement, unchanged base first): chr14-67807544-C-CA. GRCh37 (hg19) VCF-style: chr14-68274261-C-CA.
Other names: short protein forms C247fs.
Identifiers: ClinVar variation 5015418 (VCV005015418.1).

ClinVar aggregate classification (germline): Pathogenic (1 of 4 stars; one submission).

Conditions:
Hereditary spastic paraplegia 15 (SPG15). Also called: SPASTIC PARAPLEGIA 15, AUTOSOMAL RECESSIVE; KJELLIN SYNDROME; SPASTIC PARAPLEGIA AND RETINAL DEGENERATION. Identifiers: Orphanet 100996, MedGen C1849128, MONDO:0010044, OMIM 270700.

Submission:

Myriad Genetics, Inc.
Classification: Pathogenic for Hereditary spastic paraplegia 15. Last evaluated: 2026-01-15. Review status: criteria provided, single submitter. Criteria: Myriad Autosomal Dominant, Autosomal Recessive and X-Linked Classification Criteria (2023). Collection method: clinical testing. Allele origin: unknown.
Comment: NM_015346.3(ZFYVE26):c.739dupT(C247Lfs*58) is expected to be pathogenic in the context of spastic paraplegia type 15. This variant is predicted to lead to an abnormal or absent protein product due to the creation of a premature termination codon in ZFYVE26, a gene where loss-of-function variants are known to be pathogenic. Please note: this variant was assessed in the context of healthy population screening.